The following is an entry in ClinVar:

ClinVar aggregate classification (germline): Uncertain significance (1 of 4 stars; one submission).

Conditions:
Familial sleep-related hypermotor epilepsy. Also called: Autosomal Dominant Sleep-Related Hypermotor (Hyperkinetic) Epilepsy. Identifiers: Orphanet 98784, MedGen C3696898, MONDO:0000030.

Allele frequency attached by ClinVar (database versions not stated): TOPMed 0.00002.
gnomAD v4.1: 3 of 1,612,614 alleles (0.00019%); highest among the groups gnomAD compares: African/African-American, 0.004%; no homozygotes.

Submission:

Labcorp Genetics (formerly Invitae), Labcorp
Classification: Uncertain significance. Last evaluated: 2022-10-14. Review status: criteria provided, single submitter. Criteria: Invitae Variant Classification Sherloc (09022015). Collection method: clinical testing. Allele origin: germline.
Comment: This sequence change replaces valine, which is neutral and non-polar, with leucine, which is neutral and non-polar, at codon 61 of the CHRNA4 protein (p.Val61Leu). In summary, the available evidence is currently insufficient to determine the role of this variant in disease. Therefore, it has been classified as a Variant of Uncertain Significance. Advanced modeling of protein sequence and biophysical properties (such as structural, functional, and spatial information, amino acid conservation, physicochemical variation, residue mobility, and thermodynamic stability) has been performed at Invitae for this missense variant, however the output from this modeling did not meet the statistical confidence thresholds required to predict the impact of this variant on CHRNA4 protein function. ClinVar contains an entry for this variant (Variation ID: 543522). This variant has not been reported in the literature in individuals affected with CHRNA4-related conditions. The frequency data for this variant in the population databases is considered unreliable, as metrics indicate poor data quality at this position in the gnomAD database.

NM_000744.7(CHRNA4):c.181G>T (p.Val61Leu)

Gene: CHRNA4 (cholinergic receptor nicotinic alpha 4 subunit; minus strand). Cytogenetic location: 20q13.33.
Variant type: single nucleotide variant.
Coding change: c.181G>T on transcript NM_000744.7 (MANE Select); coding-DNA position 181, G replaced by T.
Protein change: p.Val61Leu; replaces valine 61 with leucine.
Molecular consequence: missense variant. On other transcripts: 5 prime UTR variant (1), non-coding transcript variant (1).
Genome position (GRCh38, 1-based): chr20:63,359,595, C>A on the plus strand (G>T on the coding strand, the complement: CHRNA4 is on the minus strand). VCF-style: chr20-63359595-C-A. GRCh37 (hg19) VCF-style: chr20-61990947-C-A.
Other names: c.-366G>T (NM_001256573.2); short protein forms V61L.
Identifiers: ClinVar variation 543522 (VCV000543522.8), dbSNP rs150451372, ClinGen allele CA317445954.